The following is an entry in ClinVar:

NC_000023.10:g.(?_32563256)_(32756908_?)dup

Gene: DMD (dystrophin; minus strand). Cytogenetic location: Xp21.1.
Variant type: Duplication.
Identifiers: ClinVar variation 3243394 (VCV003243394.1).

ClinVar aggregate classification (germline): Pathogenic (1 of 4 stars; one submission).

Conditions:
Duchenne muscular dystrophy (DMD). Also called: MUSCULAR DYSTROPHY, PSEUDOHYPERTROPHIC PROGRESSIVE, DUCHENNE TYPE; Duchenne Muscular Dystrophy (DMD). Identifiers: Orphanet 98896, MedGen C0013264, MONDO:0010679, OMIM 310200.

Submission:

Labcorp Genetics (formerly Invitae), Labcorp
Classification: Pathogenic for Duchenne muscular dystrophy. Last evaluated: 2023-06-06. Review status: criteria provided, single submitter. Criteria: Invitae Variant Classification Sherloc (09022015). Collection method: clinical testing. Allele origin: unknown.
Comment: For these reasons, this variant has been classified as Pathogenic. A similar copy number variant has been observed in individuals with Duchenne or Becker muscular dystrophy (PMID: 17259292, 26911353). This variant results in a copy number gain of the genomic region encompassing exon(s) 8-17 of the DMD gene. While the exact position of this variant cannot be determined from the data, sub-genic copy number gains are generally in tandem (PMID: 25640679). This variant is predicted to be out-of-frame, and may result in an absent or disrupted protein product. Loss-of-function variants in DMD are known to be pathogenic (PMID: 16770791, 25007885).

Literature cited by the submitters: PubMed 17259292; PubMed 26911353; PubMed 25640679; PubMed 16770791; PubMed 25007885.